The following is an entry in ClinVar:

NM_006514.4(SCN10A):c.869C>T (p.Ser290Leu)

Gene: SCN10A (sodium voltage-gated channel alpha subunit 10; minus strand). Cytogenetic location: 3p22.2.
Variant type: single nucleotide variant.
Coding change: c.869C>T on transcript NM_006514.4 (MANE Select); coding-DNA position 869, C replaced by T.
Protein change: p.Ser290Leu; replaces serine 290 with leucine.
Molecular consequence: missense variant.
Genome position (GRCh38, 1-based): chr3:38,761,206, G>A on the plus strand (C>T on the coding strand, the complement: SCN10A is on the minus strand). VCF-style: chr3-38761206-G-A. GRCh37 (hg19) VCF-style: chr3-38802697-G-A.
Other names: c.869C>T, p.Ser290Leu (NM_001293306.2, NM_001293307.2); short protein forms S290L.
Identifiers: ClinVar variation 1764334 (VCV001764334.3), dbSNP rs758105444, ClinGen allele CA72994916.
Genomic context (GRCh38, chr3:38,761,206, plus strand): 5'-AAGGGTCCAACCAGACCTTGGTCCCTATGGAAGAGACTCCACTCACGTTTTCTGTGAGAT[G>A]AGTAGTTGGTTGTCTCATTGACAGCCATGTCATTCTTGACACATTTATTTTTGAGGTTGC-3'
Protein context (NP_006505.4, residues 280-300): DMAVNETTNY[Ser290Leu]SHRKPDIYIN

ClinVar aggregate classification (germline): Uncertain significance (1 of 4 stars; one submission).

Conditions:
Cardiovascular phenotype. Identifiers: MedGen CN230736.

Allele frequency attached by ClinVar (database versions not stated): gnomAD 0.00002; TOPMed 0.00002.
gnomAD v4.1: 4 of 1,606,106 alleles (0.00025%); highest among the groups gnomAD compares: African/African-American, 0.0053%; no homozygotes.

Submission:

Ambry Genetics
Classification: Uncertain significance for Cardiovascular phenotype. Last evaluated: 2024-03-17. Review status: criteria provided, single submitter. Criteria: Ambry Variant Classification Scheme 2023. Collection method: clinical testing. Allele origin: germline.
Comment: The p.S290L variant (also known as c.869C>T), located in coding exon 6 of the SCN10A gene, results from a C to T substitution at nucleotide position 869. The serine at codon 290 is replaced by leucine, an amino acid with dissimilar properties. This amino acid position is not well conserved in available vertebrate species. In addition, the in silico prediction for this alteration is inconclusive. Since supporting evidence is limited at this time, the clinical significance of this alteration remains unclear.